The following is an entry in ClinVar:

ClinVar aggregate classification (germline): Uncertain significance. Review status: criteria provided, multiple submitters, no conflicts (2 of 4 stars). 2 submissions from 2 submitters: Uncertain significance (2). Last evaluated 2020-02-12.

Conditions:
Gorlin syndrome. Also called: Nevoid Basal Cell Carcinoma Syndrome; Basal cell nevus syndrome. Identifiers: Orphanet 377, MedGen C0004779, MONDO:0007187.
Medulloblastoma (MDB). Also called: MEDULLOBLASTOMA PREDISPOSITION SYNDROME; Medulloblastoma, somatic. Identifiers: Orphanet 616, MedGen C0025149, MeSH D008527, MONDO:0007959, OMIM 155255, HP:0002885.
Hereditary cancer-predisposing syndrome. Also called: Neoplastic Syndromes, Hereditary; Hereditary Cancer Syndrome; Hereditary neoplastic syndrome; Tumor predisposition. Identifiers: Orphanet 140162, MedGen C0027672, MeSH D009386, MONDO:0015356.

Submissions (2):

Labcorp Genetics (formerly Invitae), Labcorp
Classification: Uncertain significance for Gorlin syndrome; Medulloblastoma. Last evaluated: 2020-02-12. Review status: criteria provided, single submitter. Criteria: Invitae Variant Classification Sherloc (09022015). Collection method: clinical testing. Allele origin: germline.
Comment: In summary, the available evidence is currently insufficient to determine the role of this variant in disease. Therefore, it has been classified as a Variant of Uncertain Significance. Algorithms developed to predict the effect of missense changes on protein structure and function are either unavailable or do not agree on the potential impact of this missense change (SIFT: "Deleterious"; PolyPhen-2: "Probably Damaging"; Align-GVGD: "Class C15"). This variant has not been reported in the literature in individuals with SUFU-related conditions. This variant is not present in population databases (ExAC no frequency). This sequence change replaces glutamic acid with lysine at codon 206 of the SUFU protein (p.Glu206Lys). The glutamic acid residue is highly conserved and there is a small physicochemical difference between glutamic acid and lysine.

Ambry Genetics
Classification: Uncertain significance for Hereditary cancer-predisposing syndrome. Last evaluated: 2018-07-10. Review status: criteria provided, single submitter. Criteria: Ambry Variant Classification Scheme 2023. Collection method: clinical testing. Allele origin: germline.
Comment: The p.E206K variant (also known as c.616G>A), located in coding exon 5 of the SUFU gene, results from a G to A substitution at nucleotide position 616. The glutamic acid at codon 206 is replaced by lysine, an amino acid with similar properties. This amino acid position is highly conserved in available vertebrate species. In addition, this alteration is predicted to be deleterious by in silico analysis. Since supporting evidence is limited at this time, the clinical significance of this alteration remains unclear.

NM_016169.4(SUFU):c.616G>A (p.Glu206Lys)

Gene: SUFU (SUFU negative regulator of hedgehog signaling; plus strand). Cytogenetic location: 10q24.32.
Variant type: single nucleotide variant.
Coding change: c.616G>A on transcript NM_016169.4 (MANE Select); coding-DNA position 616, G replaced by A.
Protein change: p.Glu206Lys; replaces glutamic acid 206 with lysine.
Molecular consequence: missense variant.
Genome position (GRCh38, 1-based): chr10:102,593,654, G>A. VCF-style: chr10-102593654-G-A. GRCh37 (hg19) VCF-style: chr10-104353411-G-A.
Other names: c.616G>A, p.Glu206Lys (NM_001178133.2); short protein forms E206K.
Identifiers: ClinVar variation 826219 (VCV000826219.14), dbSNP rs1590062858, ClinGen allele CA377909415.
Genomic context (GRCh38, chr10:102,593,654, plus strand): 5'-GTGGCCATTAACACACAATGGGCTTTCTATCCTGGGCCTCAGATCGTTGGTGTCTGCACT[G>A]AAGAGCTACACTCAGCCCAGCAGTGGAACGGGCAGGGCATCCTGGAGCTGCTGCGGACAG-3'
Protein context (NP_057253.2, residues 196-216): TFLQIVGVCT[Glu206Lys]ELHSAQQWNG